The following is an entry in ClinVar:

ClinVar aggregate classification (germline): Uncertain significance (1 of 4 stars; one submission).

Conditions:
Bardet-Biedl syndrome (BBS). Identifiers: Orphanet 110, MedGen C0752166, MONDO:0015229.

Submission:

Labcorp Genetics (formerly Invitae), Labcorp
Classification: Uncertain significance for Bardet-Biedl syndrome. Last evaluated: 2022-10-24. Review status: criteria provided, single submitter. Criteria: Invitae Variant Classification Sherloc (09022015). Collection method: clinical testing. Allele origin: germline.
Comment: This sequence change falls in intron 16 of the BBS2 gene. It does not directly change the encoded amino acid sequence of the BBS2 protein. This variant is not present in population databases (gnomAD no frequency). This variant has not been reported in the literature in individuals affected with BBS2-related conditions. ClinVar contains an entry for this variant (Variation ID: 1422142). Algorithms developed to predict the effect of sequence changes on RNA splicing suggest that this variant may create or strengthen a splice site. In summary, the available evidence is currently insufficient to determine the role of this variant in disease. Therefore, it has been classified as a Variant of Uncertain Significance.

NM_031885.5(BBS2):c.2060-5T>G

Gene: BBS2 (Bardet-Biedl syndrome 2; minus strand). Cytogenetic location: 16q13.
Variant type: single nucleotide variant.
Coding change: c.2060-5T>G on transcript NM_031885.5 (MANE Select); 5 bases into the intron before coding-DNA position 2060, T replaced by G.
Molecular consequence: intron variant.
Genome position (GRCh38, 1-based): chr16:56,484,872, A>C on the plus strand (T>G on the coding strand, the complement: BBS2 is on the minus strand). VCF-style: chr16-56484872-A-C. GRCh37 (hg19) VCF-style: chr16-56518784-A-C.
Other names: c.2060-5T>G (NM_001377456.1).
Identifiers: ClinVar variation 1422142 (VCV001422142.3), dbSNP rs374531370, ClinGen allele CA2224169356.